The following is an entry in ClinVar:

ClinVar aggregate classification (germline): Pathogenic. Review status: criteria provided, multiple submitters, no conflicts (2 of 4 stars). 3 submissions from 3 submitters: Pathogenic (2). 1 of the submissions does not count toward it. Last evaluated 2023-12-28.

Conditions:
Familial adenomatous polyposis 1 (FAP1). Also called: POLYPOSIS, ADENOMATOUS INTESTINAL; FAMILIAL ADENOMATOUS POLYPOSIS 1, ATTENUATED. Identifiers: MedGen C2713442, MONDO:0021056, OMIM 175100. Disease mechanism: loss of function.
Hereditary cancer-predisposing syndrome. Also called: Tumor predisposition; Hereditary Cancer Syndrome; Hereditary neoplastic syndrome; Neoplastic Syndromes, Hereditary. Identifiers: Orphanet 140162, MedGen C0027672, MeSH D009386, MONDO:0015356.
Familial colorectal cancer. Identifiers: MedGen CN280943, MONDO:0023113. Disease mechanism: loss of function.

Submissions (3):

Labcorp Genetics (formerly Invitae), Labcorp
Classification: Pathogenic for Familial adenomatous polyposis 1. Last evaluated: 2023-12-28. Review status: criteria provided, single submitter. Criteria: Invitae Variant Classification Sherloc (09022015). Collection method: clinical testing. Allele origin: germline.
Comment: This sequence change creates a premature translational stop signal (p.Ser837*) in the APC gene. While this is not anticipated to result in nonsense mediated decay, it is expected to disrupt the last 2007 amino acid(s) of the APC protein. This variant is not present in population databases (gnomAD no frequency). This premature translational stop signal has been observed in individual(s) with familial adenomatous polyposis (PMID: 11960572, 19331226). ClinVar contains an entry for this variant (Variation ID: 82631). This variant is expected to disrupt the EB1 and HDLG binding sites, which mediate interactions with the cytoskeleton (PMID: 15311282, 17293347). While functional studies have not been performed to directly test the effect on APC protein function, this suggests that disruption of the C-terminal portion of the protein is functionally important. A different truncation (p.Tyr2645Lysfs*14) that lies downstream of this variant has been determined to be pathogenic (PMID: 9824584, 1316610, 27081525, 8381579, 22135120, Invitae). This suggests that deletion of this region of the APC protein is causative of disease. For these reasons, this variant has been classified as Pathogenic.

Ambry Genetics
Classification: Pathogenic for Hereditary cancer-predisposing syndrome. Last evaluated: 2021-05-22. Review status: criteria provided, single submitter. Criteria: Ambry Variant Classification Scheme 2023. Collection method: clinical testing. Allele origin: germline.
Comment: The p.S837* pathogenic mutation (also known as c.2510C>G), located in coding exon 15 of the APC gene, results from a C to G substitution at nucleotide position 2510. This changes the amino acid from a serine to a stop codon within coding exon 15. This alteration occurs at the 3' terminus of theAPC gene, is not expected to trigger nonsense-mediated mRNA decay. However, premature stop codons are typically deleterious in nature and the impacted region is critical for protein function and a significant portion of the protein is affected (Ambry internal data). This mutation has been reported in multiple individuals with familial adenomatous polyposis (FAP) (Wu G et al. Genet Test, 2001;5:281-90; Borosenko V et al. Anticancer Res, 2009 Feb;29:711-5; Liu Q et al. Tumour Biol, 2016 Aug;37:11421-7). This variant was not reported in population-based cohorts in the Genome Aggregation Database (gnomAD). Based on the supporting evidence, this alteration is interpreted as a disease-causing mutation.

Systems Biology Platform Zhejiang California International NanoSystems Institute
Classification: other for Familial colorectal cancer. Review status: no assertion criteria provided. Collection method: not provided. Allele origin: unknown. Not counted in ClinVar's aggregate classification.
ClinVar note: Converted during submission from cancer to other.

Literature cited by the submitters: PubMed 11960572 (cited by Labcorp Genetics (formerly Invitae), Labcorp and Ambry Genetics); PubMed 19331226 (cited by Labcorp Genetics (formerly Invitae), Labcorp and Ambry Genetics); PubMed 15311282 (cited by Labcorp Genetics (formerly Invitae), Labcorp); PubMed 17293347 (cited by Labcorp Genetics (formerly Invitae), Labcorp); PubMed 9824584 (cited by Labcorp Genetics (formerly Invitae), Labcorp); PubMed 1316610 (cited by Labcorp Genetics (formerly Invitae), Labcorp); PubMed 27081525 (cited by Labcorp Genetics (formerly Invitae), Labcorp); PubMed 8381579 (cited by Labcorp Genetics (formerly Invitae), Labcorp); PubMed 22135120 (cited by Labcorp Genetics (formerly Invitae), Labcorp); PubMed 27000756 (cited by Ambry Genetics).

NM_000038.6(APC):c.2510C>G (p.Ser837Ter)

Gene: APC (APC regulator of Wnt signaling pathway; plus strand). Cytogenetic location: 5q22.2.
Variant type: single nucleotide variant.
Coding change: c.2510C>G on transcript NM_000038.6 (MANE Select); coding-DNA position 2510, C replaced by G.
Protein change: p.Ser837Ter; replaces serine 837 with a stop codon.
Molecular consequence: nonsense.
Genome position (GRCh38, 1-based): chr5:112,838,104, C>G. VCF-style: chr5-112838104-C-G. GRCh37 (hg19) VCF-style: chr5-112173801-C-G.
Other names: c.2510C>G, p.Ser837Ter (NM_001127510.3, NM_001354895.2); c.2456C>G, p.Ser819Ter (NM_001127511.3); c.2564C>G, p.Ser855Ter (NM_001354896.2); c.2540C>G, p.Ser847Ter (NM_001354897.2); c.2435C>G, p.Ser812Ter (NM_001354898.2); c.2426C>G, p.Ser809Ter (NM_001354899.2); c.2387C>G, p.Ser796Ter (NM_001354900.2); c.2333C>G, p.Ser778Ter (NM_001354901.2); and 5 more; short protein forms S819*, S837*, S711*, S736*, S677*, S778*, S812*, S847*.
Identifiers: ClinVar variation 82631 (VCV000082631.7), dbSNP rs79512956, ClinGen allele CA007554.